The following is an entry in ClinVar:

NM_002834.5(PTPN11):c.28A>G (p.Asn10Asp)

Gene: PTPN11 (protein tyrosine phosphatase non-receptor type 11; plus strand). Cytogenetic location: 12q24.13.
Variant type: single nucleotide variant.
Coding change: c.28A>G on transcript NM_002834.5 (MANE Select); coding-DNA position 28, A replaced by G.
Protein change: p.Asn10Asp; replaces asparagine 10 with aspartic acid.
Molecular consequence: missense variant.
Genome position (GRCh38, 1-based): chr12:112,446,289, A>G. VCF-style: chr12-112446289-A-G. GRCh37 (hg19) VCF-style: chr12-112884093-A-G.
Other names: c.28A>G, p.Asn10Asp (NM_001330437.2, NM_001374625.1, NM_080601.3); short protein forms N10D.
Identifiers: ClinVar variation 838860 (VCV000838860.15), dbSNP rs368633510, ClinGen allele CA6798505.
Genomic context (GRCh38, chr12:112,446,289, plus strand): 5'-TGACAGTGTCTTGTTTTTTTATTACTTACTTTGTCTTTCTTTTTAAGATGGTTTCACCCA[A>G]ATATCACTGGTGTGGAGGCAGAAAACCTACTGTTGACAAGAGGAGTTGATGGCAGTTTTT-3'
Protein context (NP_002825.3, residues 1-20): MTSRRWFHP[Asn10Asp]ITGVEAENLL

ClinVar aggregate classification (germline): Uncertain significance. Review status: criteria provided, multiple submitters, no conflicts (2 of 4 stars). 3 submissions from 3 submitters: Uncertain significance (3). Last evaluated 2026-09-08.

Conditions:
Cardiovascular phenotype. Identifiers: MedGen CN230736.
RASopathy. Also called: rasopathies; Noonan spectrum disorder. Identifiers: Orphanet 536391, MedGen C5555857, MONDO:0021060.

Allele frequency attached by ClinVar (database versions not stated): gnomAD exomes below 0.00001; ExAC 0.00001; ESP Exome Variant Server 0.00008.
gnomAD v4.1: 5 of 1,614,078 alleles (0.00031%); highest among the groups gnomAD compares: Admixed American, 0.0017%; no homozygotes.

Submissions (3):

GeneDx
Classification: Uncertain significance. Last evaluated: 2026-09-08. Review status: criteria provided, single submitter. Criteria: GeneDx Variant Classification Process June 2021. Collection method: clinical testing. Allele origin: germline.
Comment: In silico analysis supports that this missense variant has a deleterious effect on protein structure/function; Missense variants in this gene are a common cause of disease and they are underrepresented in the general population; This variant is associated with the following publications: (PMID: 33249554, 29493581, 37568403)

Labcorp Genetics (formerly Invitae), Labcorp
Classification: Uncertain significance for RASopathy. Last evaluated: 2026-01-19. Review status: criteria provided, single submitter. Criteria: Invitae Variant Classification Sherloc (09022015). Collection method: clinical testing. Allele origin: germline.
Comment: This sequence change replaces asparagine, which is neutral and polar, with aspartic acid, which is acidic and polar, at codon 10 of the PTPN11 protein (p.Asn10Asp). This variant is present in population databases (rs368633510, gnomAD 0.003%). This missense change has been observed in individual(s) with PTPN11-related conditions (PMID: 33249554). ClinVar contains an entry for this variant (Variation ID: 838860). Invitae Evidence Modeling of protein sequence and biophysical properties (such as structural, functional, and spatial information, amino acid conservation, physicochemical variation, residue mobility, and thermodynamic stability) has been performed for this missense variant. However, the output from this modeling did not meet the statistical confidence thresholds required to predict the impact of this variant on PTPN11 protein function. In summary, the available evidence is currently insufficient to determine the role of this variant in disease. Therefore, it has been classified as a Variant of Uncertain Significance.

Ambry Genetics
Classification: Uncertain significance for Cardiovascular phenotype. Last evaluated: 2025-07-03. Review status: criteria provided, single submitter. Criteria: Ambry Variant Classification Scheme 2023. Collection method: clinical testing. Allele origin: germline.
Comment: The p.N10D variant (also known as c.28A>G), located in coding exon 2 of the PTPN11 gene, results from an A to G substitution at nucleotide position 28. The asparagine at codon 10 is replaced by aspartic acid, an amino acid with highly similar properties. This amino acid position is well conserved in available vertebrate species. In addition, this alteration is predicted to be tolerated by in silico analysis. Since supporting evidence is limited at this time, the clinical significance of this alteration remains unclear.

Literature cited by the submitters: PubMed 33249554 (cited by Labcorp Genetics (formerly Invitae), Labcorp).